The following is an entry in ClinVar:

ClinVar aggregate classification (germline): Conflicting classifications of pathogenicity. Review status: criteria provided, conflicting classifications (1 of 4 stars). 4 submissions from 4 submitters: Uncertain significance (3); Likely benign (1). Last evaluated 2024-10-04.

Conditions:
Cardiovascular phenotype. Identifiers: MedGen CN230736.
Hereditary cancer-predisposing syndrome. Also called: Neoplastic Syndromes, Hereditary; Hereditary Cancer Syndrome; Hereditary neoplastic syndrome; Tumor predisposition. Identifiers: Orphanet 140162, MedGen C0027672, MeSH D009386, MONDO:0015356.
Neurofibromatosis, type 1 (NF1). Also called: Neurofibromatosis, type I; VON RECKLINGHAUSEN DISEASE; Peripheral type neurofibromatosis; NEUROFIBROMATOSIS, TYPE I, SOMATIC. Identifiers: Orphanet 636, MedGen C0027831, MONDO:0018975, OMIM 162200. Disease mechanism: loss of function.

Allele frequency attached by ClinVar (database versions not stated): gnomAD exomes below 0.00001; ExAC 0.00001; TOPMed 0.00001.
gnomAD v4.1: 1 of 1,614,098 alleles (0.000062%); highest among the groups gnomAD compares: African/African-American, 0.0013%; no homozygotes.

Submissions (4):

Ambry Genetics
Classification: Uncertain significance for Cardiovascular phenotype; Hereditary cancer-predisposing syndrome. Last evaluated: 2024-10-04. Review status: criteria provided, single submitter. Criteria: Ambry Variant Classification Scheme 2023. Collection method: clinical testing. Allele origin: germline.
Comment: The p.S2170P variant (also known as c.6508T>C), located in coding exon 42 of the NF1 gene, results from a T to C substitution at nucleotide position 6508. The serine at codon 2170 is replaced by proline, an amino acid with similar properties. This amino acid position is conserved. In addition, this alteration is predicted to be tolerated by in silico analysis. Based on the available evidence, the clinical significance of this variant remains unclear.

Labcorp Genetics (formerly Invitae), Labcorp
Classification: Likely benign for Neurofibromatosis, type 1. Last evaluated: 2023-04-07. Review status: criteria provided, single submitter. Criteria: Invitae Variant Classification Sherloc (09022015). Collection method: clinical testing. Allele origin: germline.

Genome-Nilou Lab
Classification: Uncertain significance for Neurofibromatosis, type 1. Last evaluated: 2022-03-15. Review status: criteria provided, single submitter. Criteria: ACMG Guidelines, 2015. Collection method: clinical testing. Allele origin: germline. Affected: no.

Institute for Clinical Genetics, University Hospital TU Dresden, University Hospital TU Dresden
Classification: Uncertain significance. Last evaluated: 2021-11-03. Review status: criteria provided, single submitter. Criteria: ACMG Guidelines, 2015. Collection method: clinical testing. Allele origin: germline.

NM_001042492.3(NF1):c.6571T>C (p.Ser2191Pro)

Gene: NF1 (neurofibromin 1; plus strand). Cytogenetic location: 17q11.2.
Variant type: single nucleotide variant.
Coding change: c.6571T>C on transcript NM_001042492.3 (MANE Select); coding-DNA position 6571, T replaced by C.
Protein change: p.Ser2191Pro; replaces serine 2191 with proline.
Molecular consequence: missense variant.
Genome position (GRCh38, 1-based): chr17:31,337,511, T>C. VCF-style: chr17-31337511-T-C. GRCh37 (hg19) VCF-style: chr17-29664529-T-C.
Other names: c.6508T>C, p.Ser2170Pro (NM_000267.4); short protein forms S2191P, S2170P.
Identifiers: ClinVar variation 852744 (VCV000852744.11), dbSNP rs754630324, ClinGen allele CA8487366.